The following is an entry in ClinVar:

NM_000019.4(ACAT1):c.787A>T (p.Lys263Ter)

Gene: ACAT1 (acetyl-CoA acetyltransferase 1; plus strand). Cytogenetic location: 11q22.3.
Variant type: single nucleotide variant.
Coding change: c.787A>T on transcript NM_000019.4 (MANE Select); coding-DNA position 787, A replaced by T.
Protein change: p.Lys263Ter; replaces lysine 263 with a stop codon.
Molecular consequence: nonsense. On other transcripts: non-coding transcript variant (2).
Genome position (GRCh38, 1-based): chr11:108,141,661, A>T. VCF-style: chr11-108141661-A-T. GRCh37 (hg19) VCF-style: chr11-108012388-A-T.
Other names: c.787A>T, p.Lys263Ter (NM_001386677.1); c.472A>T, p.Lys158Ter (NM_001386678.1); c.490A>T, p.Lys164Ter (NM_001386679.1); c.517A>T, p.Lys173Ter (NM_001386681.1, NM_001386682.1, NM_001386685.1 and 6 more transcripts); c.787A>T (NM_000019.3); short protein forms K158*, K173*, K164*, K263*.
Identifiers: ClinVar variation 1454343 (VCV001454343.7), dbSNP rs2134768866, ClinGen allele CA382507841.

ClinVar aggregate classification (germline): Pathogenic/Likely pathogenic. Review status: criteria provided, multiple submitters, no conflicts (2 of 4 stars). 2 submissions from 2 submitters: Pathogenic (1); Likely pathogenic (1). Last evaluated 2025-08-06.

Conditions:
Deficiency of acetyl-CoA acetyltransferase. Also called: MITOCHONDRIAL ACETOACETYL-CoA THIOLASE DEFICIENCY; Beta-ketothiolase deficiency; 3-OXOTHIOLASE DEFICIENCY; 3-KETOTHIOLASE DEFICIENCY. Identifiers: Orphanet 134, MedGen C1536500, MONDO:0008760, OMIM 203750. Disease mechanism: loss of function.

Submissions (2):

Natera, Inc.
Classification: Likely pathogenic for Alpha-methylacetoacetic aciduria. Last evaluated: 2025-08-06. Review status: criteria provided, single submitter. Criteria: Natera Variant Classification Schema (03/2026). Collection method: clinical testing. Allele origin: germline.
Comment: The c.787A>T variant in ACAT1 is a nonsense variant predicted to introduce a stop codon at amino acid 263. This variant is expected to result in nonsense mediated decay, truncation, or a dysfunctional protein product. This variant is rare in the general population with a frequency below the threshold expected for the associated phenotype(s). Given the available evidence, this variant is classified as Likely Pathogenic.

Labcorp Genetics (formerly Invitae), Labcorp
Classification: Pathogenic for Deficiency of acetyl-CoA acetyltransferase. Last evaluated: 2021-08-20. Review status: criteria provided, single submitter. Criteria: Invitae Variant Classification Sherloc (09022015). Collection method: clinical testing. Allele origin: germline.
Comment: For these reasons, this variant has been classified as Pathogenic. This variant has not been reported in the literature in individuals affected with ACAT1-related conditions. This variant is not present in population databases (ExAC no frequency). This sequence change creates a premature translational stop signal (p.Lys263*) in the ACAT1 gene. It is expected to result in an absent or disrupted protein product. Loss-of-function variants in ACAT1 are known to be pathogenic (PMID: 7749408).

Literature cited by the submitters: PubMed 7749408 (cited by Labcorp Genetics (formerly Invitae), Labcorp).